The following is an entry in ClinVar:

NM_152703.5(SAMD9L):c.3934C>T (p.Pro1312Ser)

Gene: SAMD9L (sterile alpha motif domain containing 9 like; minus strand). Cytogenetic location: 7q21.2.
Variant type: single nucleotide variant.
Coding change: c.3934C>T on transcript NM_152703.5 (MANE Select); coding-DNA position 3934, C replaced by T.
Protein change: p.Pro1312Ser; replaces proline 1312 with serine.
Molecular consequence: missense variant.
Genome position (GRCh38, 1-based): chr7:93,132,038, G>A on the plus strand (C>T on the coding strand, the complement: SAMD9L is on the minus strand). VCF-style: chr7-93132038-G-A. GRCh37 (hg19) VCF-style: chr7-92761351-G-A.
Other names: c.3934C>T, p.Pro1312Ser (NM_001303496.3, NM_001303497.3, NM_001303498.3 and 5 more transcripts); short protein forms P1312S.
Identifiers: ClinVar variation 4864005 (VCV004864005.1).
Genomic context (GRCh38, chr7:93,132,038, plus strand): 5'-GCTTTTTCCTGCAATTCTCCTCCTGGAGTAATTGACTCTCTTTACTTTGTAATAGACATG[G>A]ATCCAAATGACAGAAAAGTTCTGTGTATTTCCTGAAACAACGACTGACTTTCTTGCTTAA-3'
Protein context (NP_689916.2, residues 1302-1322): KYTELFCHLD[Pro1312Ser]CLLQSKESQL

ClinVar aggregate classification (germline): Uncertain significance (1 of 4 stars; one submission).

Conditions:
Inborn genetic diseases. Identifiers: MedGen C0950123, MeSH D030342.

gnomAD v4.1: 1 of 1,613,500 alleles (0.000062%); highest among the groups gnomAD compares: Non-Finnish European, 0.000085%; no homozygotes.

Submission:

Ambry Genetics
Classification: Uncertain significance for Inborn genetic diseases. Last evaluated: 2026-05-21. Review status: criteria provided, single submitter. Criteria: Ambry Variant Classification Scheme 2023. Collection method: clinical testing. Allele origin: germline.
Comment: The p.P1312S variant (also known as c.3934C>T), located in coding exon 1 of the SAMD9L gene, results from a C to T substitution at nucleotide position 3934. The proline at codon 1312 is replaced by serine, an amino acid with similar properties. This amino acid position is conserved. In addition, this alteration is predicted to be tolerated by in silico analysis. Based on the available evidence, the clinical significance of this variant remains unclear.